The following is an entry in ClinVar:

ClinVar aggregate classification (germline): Pathogenic (1 of 4 stars; one submission).

Submission:

Labcorp Genetics (formerly Invitae), Labcorp
Classification: Pathogenic. Last evaluated: 2023-11-28. Review status: criteria provided, single submitter. Criteria: Invitae Variant Classification Sherloc (09022015). Collection method: clinical testing. Allele origin: germline.
Comment: This sequence change creates a premature translational stop signal (p.Gln526*) in the KMT2B gene. It is expected to result in an absent or disrupted protein product. Loss-of-function variants in KMT2B are known to be pathogenic (PMID: 27839873, 27992417). This variant is not present in population databases (gnomAD no frequency). This variant has not been reported in the literature in individuals affected with KMT2B-related conditions. For these reasons, this variant has been classified as Pathogenic.

Literature cited by the submitters: PubMed 27839873; PubMed 27992417.

NM_014727.3(KMT2B):c.1576C>T (p.Gln526Ter)

Gene: KMT2B (lysine methyltransferase 2B; plus strand). Cytogenetic location: 19q13.12.
Variant type: single nucleotide variant.
Coding change: c.1576C>T on transcript NM_014727.3 (MANE Select); coding-DNA position 1576, C replaced by T.
Protein change: p.Gln526Ter; replaces glutamine 526 with a stop codon.
Molecular consequence: nonsense.
Genome position (GRCh38, 1-based): chr19:35,720,923, C>T. VCF-style: chr19-35720923-C-T. GRCh37 (hg19) VCF-style: chr19-36211825-C-T.
Other names: short protein forms Q526*.
Identifiers: ClinVar variation 2699593 (VCV002699593.3), dbSNP rs2513315712, ClinGen allele CA405392156.
Genomic context (GRCh38, chr19:35,720,923, plus strand): 5'-CCTCCGGAAGACAGTCCCACCGTGGCCCCCAAAAGCACCACCTTCCTGAAGAATATCCGG[C>T]AGTTTATTATGCCTGTGGTGAGTGCCCGCTCCTCCCGTGTCATCAAGACACCCCGGCGAT-3'